The following is an entry in ClinVar:

ClinVar aggregate classification (germline): Likely pathogenic (1 of 4 stars; one submission).

Conditions:
Neurofibromatosis, type 1 (NF1). Also called: VON RECKLINGHAUSEN DISEASE; Peripheral type neurofibromatosis; Neurofibromatosis, type I; NEUROFIBROMATOSIS, TYPE I, SOMATIC. Identifiers: Orphanet 636, MedGen C0027831, MONDO:0018975, OMIM 162200. Disease mechanism: loss of function.

Submission:

Molecular Genetics and NGS Laboratory, Hospital Fundacion Valle Del Lili
Classification: Likely pathogenic for Neurofibromatosis, type 1. Last evaluated: 2024-08-13. Review status: criteria provided, single submitter. Criteria: ACMG Guidelines, 2015. Collection method: clinical testing. Allele origin: germline. Affected: yes. Observed: 1 variant allele.
Comment: Null variant (frame-shift) in gene NF1, predicted to cause NMD. Loss-of-function is a known mechanism of disease (gene has 4312 reported pathogenic LOF variants). The exon contains 79 pathogenic variants. The truncated region contains 481 pathogenic variants (PVS1). Variant not found in gnomAD genomes,variant not found in gnomAD exomes (PM2).

NM_001042492.3(NF1):c.7248_7249del (p.Leu2417fs)

Gene: NF1 (neurofibromin 1; plus strand). Cytogenetic location: 17q11.2.
Variant type: Deletion.
Coding change: c.7248_7249del on transcript NM_001042492.3 (MANE Select); coding-DNA positions 7248 to 7249, 2 bases deleted (AC; older notation c.7248_7249delAC).
Protein change: p.Leu2417fs; shifts the reading frame from leucine 2417.
Molecular consequence: frameshift variant.
Genome position (GRCh38, 1-based): chr17:31,349,178-31,349,179, AC deleted. VCF-style (leftmost placement, unchanged base first): chr17-31349177-TAC-T. GRCh37 (hg19) VCF-style: chr17-29676195-TAC-T.
Other names: p.Leu2417AsnfsTer4; c.7185_7186delAC, p.Leu2396Asnfs (NM_000267.4); short protein forms L2396fs, L2417fs.
Identifiers: ClinVar variation 3338287 (VCV003338287.2).
Genomic context (GRCh38, chr17:31,349,177, plus strand): 5'-TAGGGTACAGGCATCCTTCACCTGCTATTGTTGCAAGAACAGTCAGAATTTTACATACAC[TAC>T]TAACTCTGGTTAACAAACACAGAAATTGTGACAAATTTGAAGTGAATACACAGAGCGTGG-3'